The following is an entry in ClinVar:

NM_138393.4(REEP6):c.255G>A (p.Trp85Ter)

Gene: REEP6 (receptor accessory protein 6; plus strand). Cytogenetic location: 19p13.3.
Variant type: single nucleotide variant.
Coding change: c.255G>A on transcript NM_138393.4 (MANE Select); coding-DNA position 255, G replaced by A.
Protein change: p.Trp85Ter; replaces tryptophan 85 with a stop codon.
Molecular consequence: nonsense.
Genome position (GRCh38, 1-based): chr19:1,495,514, G>A. VCF-style: chr19-1495514-G-A. GRCh37 (hg19) VCF-style: chr19-1495513-G-A.
Other names: c.255G>A, p.Trp85Ter (NM_001329556.3); short protein forms W85*.
Identifiers: ClinVar variation 1275816 (VCV001275816.4), dbSNP rs1488236066, ClinGen allele CA403056657.
Genomic context (GRCh38, chr19:1,495,514, plus strand): 5'-GCACCCTCCCTGCAGAATCAAAGCTATCGAGAGCCCAAGCAAGGACGACGACACTGTGTG[G>A]CTCACCTACTGGGTGGTGTACGCCCTGTTTGGGCTGGCCGAGTTCTTCAGCGATCTACTC-3'

ClinVar aggregate classification (germline): Pathogenic. Review status: criteria provided, multiple submitters, no conflicts (2 of 4 stars). 2 submissions from 2 submitters: Pathogenic (2). Last evaluated 2024-07-27.

Submissions (2):

Labcorp Genetics (formerly Invitae), Labcorp
Classification: Pathogenic. Last evaluated: 2024-07-27. Review status: criteria provided, single submitter. Criteria: Invitae Variant Classification Sherloc (09022015). Collection method: clinical testing. Allele origin: germline.
Comment: This sequence change creates a premature translational stop signal (p.Trp85*) in the REEP6 gene. It is expected to result in an absent or disrupted protein product. Loss-of-function variants in REEP6 are known to be pathogenic (PMID: 27889058, 29120066). This variant is not present in population databases (gnomAD no frequency). This variant has not been reported in the literature in individuals affected with REEP6-related conditions. ClinVar contains an entry for this variant (Variation ID: 1275816). For these reasons, this variant has been classified as Pathogenic.

Institute of Medical Genetics and Applied Genomics, University Hospital Tübingen
Classification: Pathogenic. Last evaluated: 2021-09-15. Review status: criteria provided, single submitter. Criteria: ACMG Guidelines, 2015. Collection method: clinical testing. Allele origin: germline. Inheritance: Autosomal recessive inheritance. Affected: yes.

Literature cited by the submitters: PubMed 27889058 (cited by Labcorp Genetics (formerly Invitae), Labcorp); PubMed 29120066 (cited by Labcorp Genetics (formerly Invitae), Labcorp).